The following is an entry in ClinVar:

ClinVar aggregate classification (germline): Uncertain significance (1 of 4 stars; one submission).

Allele frequency attached by ClinVar (database versions not stated): gnomAD exomes below 0.00001.
gnomAD v4.1: 5 of 1,511,424 alleles (0.00033%); highest among the groups gnomAD compares: Admixed American, 0.0041%; no homozygotes.

Submission:

Labcorp Genetics (formerly Invitae), Labcorp
Classification: Uncertain significance. Last evaluated: 2024-08-13. Review status: criteria provided, single submitter. Criteria: Invitae Variant Classification Sherloc (09022015). Collection method: clinical testing. Allele origin: germline.
Comment: This sequence change replaces serine, which is neutral and polar, with arginine, which is basic and polar, at codon 750 of the SYNPO protein (p.Ser750Arg). This variant is not present in population databases (gnomAD no frequency). This variant has not been reported in the literature in individuals affected with SYNPO-related conditions. An algorithm developed to predict the effect of missense changes on protein structure and function (PolyPhen-2) suggests that this variant is likely to be disruptive. In summary, the available evidence is currently insufficient to determine the role of this variant in disease. Therefore, it has been classified as a Variant of Uncertain Significance.

NM_007286.6(SYNPO):c.2250C>G (p.Ser750Arg)

Gene: SYNPO (synaptopodin; plus strand). Cytogenetic location: 5q33.1.
Variant type: single nucleotide variant.
Coding change: c.2250C>G on transcript NM_007286.6 (MANE Select); coding-DNA position 2250, C replaced by G.
Protein change: p.Ser750Arg; replaces serine 750 with arginine.
Molecular consequence: missense variant.
Genome position (GRCh38, 1-based): chr5:150,656,625, C>G. VCF-style: chr5-150656625-C-G. GRCh37 (hg19) VCF-style: chr5-150036187-C-G.
Other names: short protein forms S750R.
Identifiers: ClinVar variation 2883956 (VCV002883956.3), dbSNP rs1197784869, ClinGen allele CA361770790.
Genomic context (GRCh38, chr5:150,656,625, plus strand): 5'-CTCGTGGAGCGAGCGCTCGGTGTCCCCGCTGCGACCTGAGACCGAGGCGCGGCCCCCCAG[C>G]CGCCAGCTGCAGGCGCTTCTGGCGCGAAACATCATCAATGCGGCCCGGCGCAAGAGCGCC-3'
Protein context (NP_009217.3, residues 740-760): LRPETEARPP[Ser750Arg]RQLQALLARN